The following is an entry in ClinVar:

NM_003611.3(OFD1):c.2388-1G>C

Gene: OFD1 (OFD1 centriole and centriolar satellite protein; plus strand). Cytogenetic location: Xp22.2.
Variant type: single nucleotide variant.
Coding change: c.2388-1G>C on transcript NM_003611.3 (MANE Select); the canonical splice acceptor site of the intron before coding-DNA position 2388, G replaced by C.
Molecular consequence: splice acceptor variant.
Genome position (GRCh38, 1-based): chrX:13,762,343, G>C. VCF-style: chrX-13762343-G-C. GRCh37 (hg19) VCF-style: chrX-13780462-G-C.
Other names: c.1968-1G>C (NM_001330210.2); c.2388-1G>C (NM_001440947.1); c.2268-1G>C (NM_001330209.2, NM_001440948.1).
Identifiers: ClinVar variation 4796537 (VCV004796537.1).

ClinVar aggregate classification (germline): Likely pathogenic (1 of 4 stars; one submission).

Conditions:
Orofaciodigital syndrome I (OFD1). Also called: OFDS I; Papillon-Leage and Psaume Syndrome; Oral-Facial-Digital Syndrome Type I. Identifiers: Orphanet 2750, MedGen C1510460, MONDO:0010702, OMIM 311200.

Submission:

Juno Genomics, Hangzhou Juno Genomics, Inc
Classification: Likely pathogenic for Orofaciodigital syndrome I. Review status: criteria provided, single submitter. Criteria: ACMG Guidelines, 2015. Collection method: clinical testing. Allele origin: germline. Affected: yes.
Comment: Absent from controls (or at extremely low frequency if recessive) in Genome Aggregation Database, Exome Sequencing Project, 1000 Genomes Project, or Exome Aggregation Consortium.;Null variant in a gene where loss of function (LOF) is a known mechanism of disease.